The following is an entry in ClinVar:

NM_005228.5(EGFR):c.2326C>T (p.Arg776Cys)

Genes: EGFR (epidermal growth factor receptor; plus strand), EGFR-AS1 (EGFR antisense RNA 1; minus strand). Cytogenetic location: 7p11.2.
Variant type: single nucleotide variant.
Coding change: c.2326C>T on transcript NM_005228.5 (MANE Select); coding-DNA position 2326, C replaced by T.
Protein change: p.Arg776Cys; replaces arginine 776 with cysteine.
Molecular consequence: missense variant. On other transcripts: non-coding transcript variant (1).
Genome position (GRCh38, 1-based): chr7:55,181,335, C>T. VCF-style: chr7-55181335-C-T. GRCh37 (hg19) VCF-style: chr7-55249028-C-T.
Other names: c.2191C>T, p.Arg731Cys (NM_001346897.2, NM_001346899.2); c.2326C>T, p.Arg776Cys (NM_001346898.2); c.2167C>T, p.Arg723Cys (NM_001346900.2); c.1525C>T, p.Arg509Cys (NM_001346941.2); c.2326C>T (NM_005228.3); short protein forms R723C, R776C, R731C, R509C.
Identifiers: ClinVar variation 1523057 (VCV001523057.12), dbSNP rs1275022697, ClinGen allele CA367578749.
Genomic context (GRCh38, chr7:55,181,335, plus strand): 5'-GCCTCTCCCTCCCTCCAGGAAGCCTACGTGATGGCCAGCGTGGACAACCCCCACGTGTGC[C>T]GCCTGCTGGGCATCTGCCTCACCTCCACCGTGCAGCTCATCACGCAGCTCATGCCCTTCG-3'
Protein context (NP_005219.2, residues 766-786): MASVDNPHVC[Arg776Cys]LLGICLTSTV

ClinVar aggregate classification (germline): Uncertain significance. Review status: criteria provided, multiple submitters, no conflicts (2 of 4 stars). 3 submissions from 3 submitters: Uncertain significance (2). 1 of the submissions does not count toward it. Last evaluated 2025-05-25.

Conditions:
Hereditary cancer-predisposing syndrome. Also called: Hereditary neoplastic syndrome; Hereditary Cancer Syndrome; Tumor predisposition; Neoplastic Syndromes, Hereditary. Identifiers: Orphanet 140162, MedGen C0027672, MeSH D009386, MONDO:0015356.
Lung adenocarcinoma. Also called: Adenocarcinoma of lung, somatic; Adenocarcinoma of lung. Identifiers: MedGen C0152013, MeSH D000077192, MONDO:0005061, HP:0030078.
EGFR-related lung cancer (EGFR). Identifiers: MedGen CN130014.

Allele frequency attached by ClinVar (database versions not stated): gnomAD exomes below 0.00001; TOPMed below 0.00001; gnomAD 0.00001.
gnomAD v4.1: 2 of 1,614,098 alleles (0.00012%); highest among the groups gnomAD compares: Non-Finnish European, 0.00017%; no homozygotes.

Submissions (3):

Ambry Genetics
Classification: Uncertain significance for Hereditary cancer-predisposing syndrome. Last evaluated: 2025-05-25. Review status: criteria provided, single submitter. Criteria: Ambry Variant Classification Scheme 2023. Collection method: clinical testing. Allele origin: germline.
Comment: The p.R776C variant (also known as c.2326C>T), located in coding exon 20 of the EGFR gene, results from a C to T substitution at nucleotide position 2326. The arginine at codon 776 is replaced by cysteine, an amino acid with highly dissimilar properties. This amino acid position is highly conserved in available vertebrate species. In addition, this alteration is predicted to be deleterious by in silico analysis. Based on the available evidence, the clinical significance of this variant remains unclear.

Labcorp Genetics (formerly Invitae), Labcorp
Classification: Uncertain significance for EGFR-related lung cancer. Last evaluated: 2025-04-07. Review status: criteria provided, single submitter. Criteria: Invitae Variant Classification Sherloc (09022015). Collection method: clinical testing. Allele origin: germline.
Comment: This sequence change replaces arginine, which is basic and polar, with cysteine, which is neutral and slightly polar, at codon 776 of the EGFR protein (p.Arg776Cys). This variant is not present in population databases (gnomAD no frequency). This variant has not been reported in the literature in individuals affected with EGFR-related conditions. ClinVar contains an entry for this variant (Variation ID: 1523057). Invitae Evidence Modeling of protein sequence and biophysical properties (such as structural, functional, and spatial information, amino acid conservation, physicochemical variation, residue mobility, and thermodynamic stability) indicates that this missense variant is expected to disrupt EGFR protein function with a positive predictive value of 80%. Experimental studies have shown that this missense change does not substantially affect EGFR function (PMID: 19147750). This variant disrupts the @p.Arg776 amino acid residue in EGFR. Other variant(s) that disrupt this residue have been determined to be pathogenic (PMID: 23358982, 25969368, 34555730, 36698436; internal data). This suggests that this residue is clinically significant, and that variants that disrupt this residue are likely to be disease-causing. In summary, the available evidence is currently insufficient to determine the role of this variant in disease. Therefore, it has been classified as a Variant of Uncertain Significance.

Key Laboratory of Carcinogenesis and Cancer Invasion, Central South University
Classification: Likely pathogenic for Adenocarcinoma of lung. Review status: no assertion criteria provided. Collection method: clinical testing. Allele origin: somatic. Affected: yes. Not counted in ClinVar's aggregate classification.

Literature cited by the submitters: PubMed 19147750 (cited by Labcorp Genetics (formerly Invitae), Labcorp); PubMed 23358982 (cited by Labcorp Genetics (formerly Invitae), Labcorp); PubMed 25969368 (cited by Labcorp Genetics (formerly Invitae), Labcorp); PubMed 34555730 (cited by Labcorp Genetics (formerly Invitae), Labcorp); PubMed 36698436 (cited by Labcorp Genetics (formerly Invitae), Labcorp).